The following is an entry in ClinVar:

ClinVar aggregate classification (germline): Likely pathogenic (1 of 4 stars; one submission).

Conditions:
Anemia, congenital dyserythropoietic, type IVb. Also called: CDA, TYPE IVb; ANEMIA, CONGENITAL, WITH HEREDITARY PERSISTENCE OF FETAL AND EMBRYONIC HEMOGLOBIN. Identifiers: MedGen C5975438, MONDO:0975829, OMIM 620969.

Submission:

Variantyx, Inc.
Classification: Likely pathogenic for Anemia, congenital dyserythropoietic, type IVb. Last evaluated: 2025-12-11. Review status: criteria provided, single submitter. Criteria: Variantyx Assertion Criteria 2022. Collection method: clinical testing. Allele origin: germline. Inheritance: Autosomal recessive inheritance. Affected: no.
Comment: This is a frameshift variant in the KLF1 gene (OMIM: 600599). Pathogenic variants in this gene have been associated with autosomal recessive congenital dyserythropoietic anemia type IVb. This variant introduces a premature termination codon in exon¬†2¬†out of 3and is expected to result in loss of function, which is a known disease mechanism for KLF1 in this disorder (PVS1) (PMID: 24443441, 25724378). This variant is absent from control populations (PM2) and it has not been reported in individuals with KLF1-related disorders in the databases available for review. Based on the current evidence, this variant is classified as likely pathogenic for autosomal recessive congenital dyserythropoietic anemia type IVb.

Literature cited by the submitters: PubMed 24443441; PubMed 25724378.

NM_006563.5(KLF1):c.370dup (p.Ala124fs)

Genes: KLF1 (KLF transcription factor 1; minus strand), LOC130063673 (ATAC-STARR-seq lymphoblastoid silent region 10180; plus strand). Cytogenetic location: 19p13.13.
Variant type: Duplication.
Coding change: c.370dup on transcript NM_006563.5 (MANE Select); coding-DNA position 370, one base duplicated (G; older notation c.370dupG).
Protein change: p.Ala124fs; shifts the reading frame from alanine 124.
Molecular consequence: frameshift variant.
Genome position (GRCh38, 1-based): chr19:12,885,860, C duplicated on the plus strand (G on the coding strand, the reverse complement: KLF1 is on the minus strand); the first of 2 consecutive C bases (chr19:12,885,860-12,885,861); duplicating either gives the same sequence. VCF-style (leftmost placement, unchanged base first): chr19-12885859-G-GC. GRCh37 (hg19) VCF-style: chr19-12996673-G-GC.
Other names: short protein forms A124fs.
Identifiers: ClinVar variation 4850765 (VCV004850765.1).